The following is an entry in ClinVar:

ClinVar aggregate classification (germline): Uncertain significance (1 of 4 stars; one submission).

Conditions:
Diamond-Blackfan anemia. Also called: Blackfan Diamond syndrome; Aregenerative anemia chronic congenital; Red cell aplasia, pure hereditary; Congenital hypoplastic anemia; Aase syndrome. Identifiers: Orphanet 124, MedGen C1260899, MeSH D029503, MONDO:0015253, HP:0004810.
GATA binding protein 1 related thrombocytopenia with dyserythropoiesis. Also called: GATA1-Related X-Linked Cytopenia; GATA1-Related Cytopenia. Identifiers: MedGen C1845837, MONDO:0100089.

Allele frequency attached by ClinVar (database versions not stated): TOPMed 0.00001.

Submission:

Labcorp Genetics (formerly Invitae), Labcorp
Classification: Uncertain significance for GATA binding protein 1 related thrombocytopenia with dyserythropoiesis; Diamond-Blackfan anemia. Last evaluated: 2025-05-11. Review status: criteria provided, single submitter. Criteria: Invitae Variant Classification Sherloc (09022015). Collection method: clinical testing. Allele origin: germline.
Comment: This sequence change replaces serine, which is neutral and polar, with arginine, which is basic and polar, at codon 170 of the GATA1 protein (p.Ser170Arg). This variant is not present in population databases (gnomAD no frequency). This variant has not been reported in the literature in individuals affected with GATA1-related conditions. ClinVar contains an entry for this variant (Variation ID: 2139238). Invitae Evidence Modeling of protein sequence and biophysical properties (such as structural, functional, and spatial information, amino acid conservation, physicochemical variation, residue mobility, and thermodynamic stability) indicates that this missense variant is not expected to disrupt GATA1 protein function with a negative predictive value of 95%. In summary, the available evidence is currently insufficient to determine the role of this variant in disease. Therefore, it has been classified as a Variant of Uncertain Significance.

NM_002049.4(GATA1):c.510T>G (p.Ser170Arg)

Gene: GATA1 (GATA binding protein 1; plus strand). Cytogenetic location: Xp11.23.
Variant type: single nucleotide variant.
Coding change: c.510T>G on transcript NM_002049.4 (MANE Select); coding-DNA position 510, T replaced by G.
Protein change: p.Ser170Arg; replaces serine 170 with arginine.
Molecular consequence: missense variant.
Genome position (GRCh38, 1-based): chrX:48,792,133, T>G. VCF-style: chrX-48792133-T-G. GRCh37 (hg19) VCF-style: chrX-48650540-T-G.
Other names: short protein forms S170R.
Identifiers: ClinVar variation 2139238 (VCV002139238.4), dbSNP rs1884922826, ClinGen allele CA412869638.